The following is an entry in ClinVar:

ClinVar aggregate classification (germline): Uncertain significance (1 of 4 stars; one submission).

gnomAD v4.1: 7 of 1,612,026 alleles (0.00043%); highest among the groups gnomAD compares: Admixed American, 0.005%; no homozygotes.

Submission:

Ambry Genetics
Classification: Uncertain significance. Last evaluated: 2025-04-18. Review status: criteria provided, single submitter. Criteria: Ambry Variant Classification Scheme 2023. Collection method: clinical testing. Allele origin: germline.
Comment: The p.H837Y variant (also known as c.2509C>T), located in coding exon 13 of the GEN1 gene, results from a C to T substitution at nucleotide position 2509. The histidine at codon 837 is replaced by tyrosine, an amino acid with similar properties. This amino acid position is conserved. In addition, this alteration is predicted to be tolerated by in silico analysis. Based on the available evidence, the clinical significance of this variant remains unclear.

NM_001130009.3(GEN1):c.2509C>T (p.His837Tyr)

Gene: GEN1 (GEN1 Holliday junction 5' flap endonuclease; plus strand). Cytogenetic location: 2p24.2.
Variant type: single nucleotide variant.
Coding change: c.2509C>T on transcript NM_001130009.3 (MANE Select); coding-DNA position 2509, C replaced by T.
Protein change: p.His837Tyr; replaces histidine 837 with tyrosine.
Molecular consequence: missense variant.
Genome position (GRCh38, 1-based): chr2:17,781,721, C>T. VCF-style: chr2-17781721-C-T. GRCh37 (hg19) VCF-style: chr2-17962988-C-T.
Other names: c.2509C>T, p.His837Tyr (NM_182625.5); short protein forms H837Y.
Identifiers: ClinVar variation 4029244 (VCV004029244.1).
Genomic context (GRCh38, chr2:17,781,721, plus strand): 5'-ACTCAAAGAATGAAGCACAGTTCTCAAAAGCATAATTCATCCCATTTCAAAGAAAGTGGC[C>T]ATAACAAGTTGAGTAGCCCTAAGATACATATTAAAGAAACTGAACAGTGTGTCAGATCTT-3'
Protein context (NP_001123481.3, residues 827-847): HNSSHFKESG[His837Tyr]NKLSSPKIHI